The following is an entry in ClinVar:

NM_000108.5(DLD):c.765G>A (p.Met255Ile)

Gene: DLD (dihydrolipoamide dehydrogenase; plus strand). Cytogenetic location: 7q31.1.
Variant type: single nucleotide variant.
Coding change: c.765G>A on transcript NM_000108.5 (MANE Select); coding-DNA position 765, G replaced by A.
Protein change: p.Met255Ile; replaces methionine 255 with isoleucine.
Molecular consequence: missense variant.
Genome position (GRCh38, 1-based): chr7:107,915,586, G>A. VCF-style: chr7-107915586-G-A. GRCh37 (hg19) VCF-style: chr7-107556031-G-A.
Other names: c.468G>A, p.Met156Ile (NM_001289750.1); c.696G>A, p.Met232Ile (NM_001289751.1); c.621G>A, p.Met207Ile (NM_001289752.1); short protein forms M156I, M207I, M232I, M255I.
Identifiers: ClinVar variation 2125073 (VCV002125073.3), dbSNP rs2535598613, ClinGen allele CA368857034.

ClinVar aggregate classification (germline): Uncertain significance (1 of 4 stars; one submission).

Conditions:
Pyruvate dehydrogenase E3 deficiency (DLDD). Also called: Lipoamide dehydrogenase deficiency, lactic acidosis due to; MAPLE SYRUP URINE DISEASE, TYPE III; Dihydrolipoamide Dehydrogenase E3 Deficiency; DLD DEFICIENCY; E3 DEFICIENCY; Dihydrolipoamide Dehydrogenase Deficiency. Identifiers: Orphanet 2394, Orphanet 765, MedGen C5574660, MONDO:0009529, OMIM 246900.

Submission:

Labcorp Genetics (formerly Invitae), Labcorp
Classification: Uncertain significance for Pyruvate dehydrogenase E3 deficiency. Last evaluated: 2024-03-04. Review status: criteria provided, single submitter. Criteria: Invitae Variant Classification Sherloc (09022015). Collection method: clinical testing. Allele origin: germline.
Comment: This sequence change replaces methionine, which is neutral and non-polar, with isoleucine, which is neutral and non-polar, at codon 255 of the DLD protein (p.Met255Ile). This variant is not present in population databases (gnomAD no frequency). This variant has not been reported in the literature in individuals affected with DLD-related conditions. ClinVar contains an entry for this variant (Variation ID: 2125073). Advanced modeling of protein sequence and biophysical properties (such as structural, functional, and spatial information, amino acid conservation, physicochemical variation, residue mobility, and thermodynamic stability) performed at Invitae indicates that this missense variant is not expected to disrupt DLD protein function with a negative predictive value of 80%. In summary, the available evidence is currently insufficient to determine the role of this variant in disease. Therefore, it has been classified as a Variant of Uncertain Significance.